The following is an entry in ClinVar:

ClinVar aggregate classification (germline): Uncertain significance (1 of 4 stars; one submission).

Conditions:
Long QT syndrome (LQTS). Identifiers: MedGen C0023976, MeSH D008133, MONDO:0002442. Disease mechanism: loss of function. Inheritance: Various modes of inheritance.

Allele frequency attached by ClinVar (database versions not stated): gnomAD 0.00001; gnomAD exomes below 0.00001.
gnomAD v4.1: 2 of 1,609,146 alleles (0.00012%); highest among the groups gnomAD compares: Non-Finnish European, 0.000085%; no homozygotes.

Submission:

Labcorp Genetics (formerly Invitae), Labcorp
Classification: Uncertain significance for Long QT syndrome. Last evaluated: 2024-03-16. Review status: criteria provided, single submitter. Criteria: Invitae Variant Classification Sherloc (09022015). Collection method: clinical testing. Allele origin: germline.
Comment: This sequence change replaces asparagine, which is neutral and polar, with serine, which is neutral and polar, at codon 70 of the CACNA1C protein (p.Asn70Ser). This variant is present in population databases (no rsID available, gnomAD 0.007%). This variant has not been reported in the literature in individuals affected with CACNA1C-related conditions. ClinVar contains an entry for this variant (Variation ID: 456951). Advanced modeling of protein sequence and biophysical properties (such as structural, functional, and spatial information, amino acid conservation, physicochemical variation, residue mobility, and thermodynamic stability) performed at Invitae indicates that this missense variant is not expected to disrupt CACNA1C protein function with a negative predictive value of 95%. In summary, the available evidence is currently insufficient to determine the role of this variant in disease. Therefore, it has been classified as a Variant of Uncertain Significance.

NM_000719.7(CACNA1C):c.209A>G (p.Asn70Ser)

Gene: CACNA1C (calcium voltage-gated channel subunit alpha1 C; plus strand). Cytogenetic location: 12p13.33.
Variant type: single nucleotide variant.
Coding change: c.209A>G on transcript NM_000719.7 (MANE Select); coding-DNA position 209, A replaced by G.
Protein change: p.Asn70Ser; replaces asparagine 70 with serine.
Molecular consequence: missense variant.
Genome position (GRCh38, 1-based): chr12:2,115,383, A>G. VCF-style: chr12-2115383-A-G. GRCh37 (hg19) VCF-style: chr12-2224549-A-G.
Other names: c.209A>G, p.Asn70Ser (NM_001129827.2, NM_001129829.2, NM_001129830.3 and 19 more transcripts); short protein forms N70S.
Identifiers: ClinVar variation 456951 (VCV000456951.9), dbSNP rs1265762175, ClinGen allele CA383653158.